The following is an entry in ClinVar:

ClinVar aggregate classification (germline): Pathogenic. Review status: criteria provided, multiple submitters, no conflicts (2 of 4 stars). 3 submissions from 3 submitters: Pathogenic (3). Last evaluated 2024-04-19.

Conditions:
Metaphyseal chondrodysplasia, McKusick type (CHH). Also called: Cartilage-hair hypoplasia; Cartilage-Hair Hypoplasia (CHH). Identifiers: Orphanet 175, MedGen C0220748, MONDO:0009595, OMIM 250250.
Anauxetic dysplasia. Identifiers: Orphanet 93347, MedGen C1846796, MONDO:0011773.

Submissions (3):

Natera, Inc.
Classification: Pathogenic for Cartilage-hair hypoplasia. Last evaluated: 2024-04-19. Review status: criteria provided, single submitter. Criteria: Natera Variant Classification Schema (03/2026). Collection method: clinical testing. Allele origin: germline.
Comment: The n.-6_4dupGGACGTGGTT variant in RMRP, also known as NC_000009.12:g.35658015_35658024dup, is a duplication affecting the RMRP promoter region between the TATA box and the transcription initiation site. Other duplications and insertions just upstream of the transcription initiation site have been reported in individuals affected with cartilage-hair hypoplasia (PMID: 11207361, 17937437). This variant is rare in the general population with a frequency below the threshold expected for the associated phenotype(s). This variant has been observed in one or more individuals affected with the associated recessive disease, as either homozygous or compound heterozygous with a second variant (PMID: 12107819). Given the available evidence, this variant is classified as Pathogenic.

Laboratorio de Biologia Molecular/Medicina Genomica - IFF/Fiocruz, Instituto Fernandes Figueira, Fundacao Oswaldo Cruz
Classification: Pathogenic for Metaphyseal chondrodysplasia, McKusick type. Last evaluated: 2024-01-25. Review status: criteria provided, single submitter. Criteria: ACMG Guidelines, 2015. Collection method: clinical testing. Allele origin: germline. Affected: yes. Observed: 1 variant allele.
Comment: This alteration is located within the promoter region of the RMRP gene, which encodes an untranslated RNA. Other insertions and duplications in this region have been reported in individuals affected with cartilage-hair hypoplasia-anauxetic dysplasia spectrum disorders (PMID: 11207361, 21956908, 21396580). This variant involves the duplication of 10 nucleotides between the TATA box and the transcription initiation site and functional studies have shown that this type of alteration result in reduced expression of the RMRP gene (PMIDs: 11207361, 16254002). For these reasons, this variant has been classified as Pathogenic.

Labcorp Genetics (formerly Invitae), Labcorp
Classification: Pathogenic for Anauxetic dysplasia. Last evaluated: 2022-09-14. Review status: criteria provided, single submitter. Criteria: Invitae Variant Classification Sherloc (09022015). Collection method: clinical testing. Allele origin: germline.
Comment: Algorithms developed to predict the effect of sequence changes on RNA splicing suggest that this variant may disrupt the consensus splice site. For these reasons, this variant has been classified as Pathogenic. This variant occurs in the RMRP gene, which encodes an RNA molecule that does not result in a protein product. This variant is not present in population databases (gnomAD no frequency). This variant has been observed in individuals with cartilage-hair hypoplasia (PMID: 12107819). Other insertions and duplications immediately upstream of the coding sequence have been reported in individuals affected with cartilage-hair hypoplasia-anauxetic dysplasia (CHH-AD) spectrum disorders (PMID: 16244706, 11207361, 12107819). This variant is also known as dup GGACGTGGTT at 4 . While functional studies for this variant have not been reported, experimental analyses using patient derived cells, as well as in vitro transfection studies, have shown that promoter insertions result in silencing of RMRP transcription and reduced expression of the gene product (PMID: 11207361, 16254002).

Literature cited by the submitters: PubMed 11207361 (cited by Natera, Inc. and Labcorp Genetics (formerly Invitae), Labcorp); PubMed 17937437 (cited by Natera, Inc.); PubMed 12107819 (cited by Natera, Inc. and Labcorp Genetics (formerly Invitae), Labcorp); PubMed 32021596 (cited by Laboratorio de Biologia Molecular/Medicina Genomica - IFF/Fiocruz, Instituto Fernandes Figueira, Fundacao Oswaldo Cruz); PubMed 16244706 (cited by Labcorp Genetics (formerly Invitae), Labcorp); PubMed 16254002 (cited by Labcorp Genetics (formerly Invitae), Labcorp).

NR_003051.4(RMRP):n.-5_+5dup

Gene: RMRP (RNA component of mitochondrial RNA processing endoribonuclease; minus strand). Cytogenetic location: 9p13.3.
Variant type: Duplication.
Genome position: GRCh38 VCF-style: chr9-35658014-G-GAACCACGTCC. GRCh37 (hg19) VCF-style: chr9-35658011-G-GAACCACGTCC.
Identifiers: ClinVar variation 2098536 (VCV002098536.7), dbSNP rs2490602783, ClinGen allele CA2580080461.